The following is an entry in ClinVar:

ClinVar aggregate classification (germline): Pathogenic/Likely pathogenic. Review status: criteria provided, multiple submitters, no conflicts (2 of 4 stars). 4 submissions from 4 submitters: Pathogenic (2); Likely pathogenic (2). Last evaluated 2024-10-31.

Conditions:
Galactosylceramide beta-galactosidase deficiency. Also called: Krabbe Disease; GALACTOCEREBROSIDASE DEFICIENCY; GALC DEFICIENCY; GLOBOID CELL LEUKOENCEPHALOPATHY; Leukodystrophy, Globoid Cell. Identifiers: Orphanet 487, MedGen C0023521, MONDO:0009499, OMIM 245200.

Submissions (4):

Natera, Inc.
Classification: Pathogenic for Galactosylceramide beta-galactosidase deficiency. Last evaluated: 2024-10-31. Review status: criteria provided, single submitter. Criteria: Natera Variant Classification Schema (03/2026). Collection method: clinical testing. Allele origin: germline.
Comment: The c.1230del variant in GALC is a frameshift variant predicted to shift the reading frame beginning at codon 411 and leads to a stop codon 46 codons downstream. This variant is expected to result in nonsense mediated decay, truncation, or a dysfunctional protein product. This variant is rare in the general population with a frequency below the threshold expected for the associated phenotype(s). This variant has been observed in one or more individuals affected with the associated recessive disease, as either homozygous or compound heterozygous with a second variant (PMID: 35002157). Given the available evidence, this variant is classified as Pathogenic.

Fulgent Genetics
Classification: Likely pathogenic for Galactosylceramide beta-galactosidase deficiency. Last evaluated: 2024-06-10. Review status: criteria provided, single submitter. Criteria: ACMG Guidelines, 2015. Collection method: clinical testing. Allele origin: germline.

Labcorp Genetics (formerly Invitae), Labcorp
Classification: Pathogenic for Galactosylceramide beta-galactosidase deficiency. Last evaluated: 2023-12-09. Review status: criteria provided, single submitter. Criteria: Invitae Variant Classification Sherloc (09022015). Collection method: clinical testing. Allele origin: germline.
Comment: This sequence change creates a premature translational stop signal (p.Phe411Leufs*46) in the GALC gene. It is expected to result in an absent or disrupted protein product. Loss-of-function variants in GALC are known to be pathogenic (PMID: 7437911, 9272171, 16607461). This variant is not present in population databases (gnomAD no frequency). This variant has not been reported in the literature in individuals affected with GALC-related conditions. Algorithms developed to predict the effect of sequence changes on RNA splicing suggest that this variant may disrupt the consensus splice site. For these reasons, this variant has been classified as Pathogenic.

Neuberg Centre For Genomic Medicine, NCGM
Classification: Likely pathogenic for Galactosylceramide beta-galactosidase deficiency. Last evaluated: 2023-07-22. Review status: criteria provided, single submitter. Criteria: ACMG Guidelines, 2015. Collection method: clinical testing. Allele origin: germline. Inheritance: Autosomal recessive inheritance. Affected: yes.
Comment: The observed frameshift c.1230delp.Phe411LeufsTer46 variant in GALC gene has not been reported previously as a pathogenic variant nor a benign variant, to our knowledge. The p.Phe411LeufsTer46 variant is absent in gnomAD Exomes. This variant has not been submitted to the ClinVar database. This variant causes a frameshift starting with codon Phenylalanine 411, changes this amino acid to Leucine residue, and creates a premature Stop codon at position 46 of the new reading frame, denoted p.Phe411LeufsTer46. This variant is predicted to cause loss of normal protein function through protein truncation. Loss of function variants have been previously reported to be disease causing. For these reasons, this variant has been classified as Likely Pathogenic.

Literature cited by the submitters: PubMed 35002157 (cited by Natera, Inc.); PubMed 7437911 (cited by Labcorp Genetics (formerly Invitae), Labcorp); PubMed 9272171 (cited by Labcorp Genetics (formerly Invitae), Labcorp); PubMed 16607461 (cited by Labcorp Genetics (formerly Invitae), Labcorp).

NM_000153.4(GALC):c.1230del (p.Phe411fs)

Gene: GALC (galactosylceramidase; minus strand). Cytogenetic location: 14q31.3.
Variant type: Deletion.
Coding change: c.1230del on transcript NM_000153.4 (MANE Select); coding-DNA position 1230, one base deleted (C; older notation c.1230delC).
Protein change: p.Phe411fs; shifts the reading frame from phenylalanine 411.
Molecular consequence: frameshift variant. On other transcripts: non-coding transcript variant (1).
Genome position (GRCh38, 1-based): chr14:87,950,680, G deleted on the plus strand (C on the coding strand, the reverse complement: GALC is on the minus strand); the first of 2 consecutive G bases (chr14:87,950,680-87,950,681); deleting either gives the same sequence. VCF-style (leftmost placement, unchanged base first): chr14-87950679-AG-A. GRCh37 (hg19) VCF-style: chr14-88417023-AG-A.
Other names: c.1230del (NM_000153.3); c.1161del, p.Phe388fs (NM_001201401.2); c.1152del, p.Phe385fs (NM_001201402.2); c.1062del, p.Phe355fs (NM_001424071.1, NM_001424072.1, NM_001424073.1); c.882del, p.Phe295fs (NM_001424074.1, NM_001424075.1); c.597del, p.Phe200fs (NM_001424076.1, NM_001424077.1); short protein forms F388fs, F355fs, F385fs, F411fs, F200fs, F295fs.
Identifiers: ClinVar variation 2884012 (VCV002884012.6), dbSNP rs1885266215, ClinGen allele CA2153362030.
Genomic context (GRCh38, chr14:87,950,679, plus strand): 5'-TTAAATCAAAACTAAAATAAAGTTAAACATATTTACTTACAAAAGATCCCTTAAGAACAA[AG>A]GTGGCAAATTGTTGTGACACATTGAAATAAGGAAGAAATGGCCGTATGCACTTAGAATGT-3'